The following is an entry in ClinVar:

ClinVar aggregate classification (germline): Benign/Likely benign. Review status: criteria provided, multiple submitters, no conflicts (2 of 4 stars). 6 submissions from 6 submitters: Benign (2); Likely benign (2). 2 of the submissions do not count toward it. Last evaluated 2026-01-15.

Conditions:
CASQ2-related disorder. Also called: CASQ2-related condition.
Catecholaminergic polymorphic ventricular tachycardia 2. Also called: CASQ2-Related Catecholaminergic Polymorphic Ventricular Tachycardia; VENTRICULAR TACHYCARDIA, STRESS-INDUCED POLYMORPHIC 2. Identifiers: Orphanet 3286, MedGen C2677794, MONDO:0012762, OMIM 611938.
Catecholaminergic polymorphic ventricular tachycardia 1. Also called: RYR2-Related Catecholaminergic Polymorphic Ventricular Tachycardia; VENTRICULAR TACHYCARDIA, CATECHOLAMINERGIC POLYMORPHIC, 1, WITH OR WITHOUT ATRIAL DYSFUNCTION AND/OR DILATED CARDIOMYOPATHY; VENTRICULAR TACHYCARDIA, STRESS-INDUCED POLYMORPHIC 1. Identifiers: Orphanet 3286, MedGen C1631597, MONDO:0011484, OMIM 604772.

Allele frequency attached by ClinVar (database versions not stated): ExAC 0.00003; gnomAD 0.00003; gnomAD exomes 0.00003 and 0.00008; TOPMed 0.00004.
gnomAD v4.1: 111 of 1,534,582 alleles (0.0072%); highest among the groups gnomAD compares: Non-Finnish European, 0.0098%; no homozygotes.

Submissions (6):

Labcorp Genetics (formerly Invitae), Labcorp
Classification: Likely benign for Catecholaminergic polymorphic ventricular tachycardia 1. Last evaluated: 2026-01-15. Review status: criteria provided, single submitter. Criteria: Invitae Variant Classification Sherloc (09022015). Collection method: clinical testing. Allele origin: germline.

Women's Health and Genetics/Laboratory Corporation of America, LabCorp
Classification: Likely benign. Last evaluated: 2025-04-16. Review status: criteria provided, single submitter. Criteria: LabCorp Variant Classification Summary - May 2015. Collection method: clinical testing. Allele origin: germline.

Genome-Nilou Lab
Classification: Benign for Catecholaminergic polymorphic ventricular tachycardia 2. Last evaluated: 2023-04-11. Review status: criteria provided, single submitter. Criteria: ACMG Guidelines, 2015. Collection method: clinical testing. Allele origin: germline. Affected: no.

Clinical Genetics DNA and cytogenetics Diagnostics Lab, Erasmus MC, Erasmus Medical Center
Classification: Benign for Catecholaminergic polymorphic ventricular tachycardia 2. Last evaluated: 2017-05-31. Review status: criteria provided, single submitter. Criteria: ACGS Guidelines, 2013. Collection method: clinical testing. Allele origin: germline. Affected: yes. Study: VKGL Data-share Consensus.

PreventionGenetics, part of Exact Sciences
Classification: Likely benign for CASQ2-related condition. Last evaluated: 2020-02-17. Review status: no assertion criteria provided. Collection method: clinical testing. Allele origin: germline. Not counted in ClinVar's aggregate classification.
Comment: This variant is classified as likely benign based on ACMG/AMP sequence variant interpretation guidelines (Richards et al. 2015 PMID: 25741868, with internal and published modifications).

Clinical Genetics, Academic Medical Center
Classification: Benign. Review status: no assertion criteria provided. Collection method: clinical testing. Allele origin: germline. Affected: yes. Study: VKGL Data-share Consensus. Not counted in ClinVar's aggregate classification.

NM_001232.4(CASQ2):c.421-7A>T

Gene: CASQ2 (calsequestrin 2; minus strand). Cytogenetic location: 1p13.1.
Variant type: single nucleotide variant.
Coding change: c.421-7A>T on transcript NM_001232.4 (MANE Select); 7 bases into the intron before coding-DNA position 421, A replaced by T.
Molecular consequence: intron variant.
Genome position (GRCh38, 1-based): chr1:115,738,342, T>A on the plus strand (A>T on the coding strand, the complement: CASQ2 is on the minus strand). VCF-style: chr1-115738342-T-A. GRCh37 (hg19) VCF-style: chr1-116280963-T-A.
Identifiers: ClinVar variation 522304 (VCV000522304.19), dbSNP rs776008006, ClinGen allele CA1023909.